The following is an entry in ClinVar:

ClinVar aggregate classification (germline): Pathogenic. Review status: criteria provided, multiple submitters, no conflicts (2 of 4 stars). 3 submissions from 3 submitters: Pathogenic (3). Last evaluated 2025-12-18.

Conditions:
Axenfeld-Rieger syndrome type 3 (RIEG3). Also called: AXENFELD-RIEGER ANOMALY WITH CARDIAC DEFECTS AND/OR SENSORINEURAL HEARING LOSS. Identifiers: Orphanet 782, MedGen C2678503, MONDO:0011233, OMIM 602482.

Submissions (3):

GeneDx
Classification: Pathogenic. Last evaluated: 2025-12-18. Review status: criteria provided, single submitter. Criteria: GeneDx Variant Classification Process June 2021. Collection method: clinical testing. Allele origin: germline. Affected: yes.
Comment: Frameshift variant predicted to result in abnormal protein length as the last 354 amino acids are replaced with 108 different amino acids, and other similar variants have been reported in HGMD; Published functional studies suggest an impact of nucleolar mispartitioning and dysfunction (PMID: 36755093); Not observed at significant frequency in large population cohorts (gnomAD); This variant is associated with the following publications: (PMID: 34645491, 35354164, 36755093, 28513611)

Rady Children's Institute for Genomic Medicine, Rady Children's Hospital San Diego
Classification: Pathogenic for AXENFELD-RIEGER SYNDROME, TYPE 3. Last evaluated: 2018-07-20. Review status: criteria provided, single submitter. Criteria: ACMG Guidelines, 2015. Collection method: clinical testing. Allele origin: germline. Affected: yes. Observed: 1 variant allele.
Comment: FOXC1 is a single exon gene and therefore the consequence of this frameshifting mutation is difficult to predict. However, loss-of-function variants upstream and downstream of the c.599_617del (p.Gln200ArgfsTer109) have been reported in individuals with Axenfeld-Rieger syndrome (PMID: 28513611), supporting the putative pathogenicity of this variant. Additionally, c.599_617del (p.Gln200ArgfsTer109) variant in FOXC1 has been reported as a heterozygous change in an individual with early-onset glaucoma and additional ophthalmologic anomalies including posterior embryotoxin, peripheral anterior synechiae, corneal edema, and ectropion uveae (PMID: 28513611). This variant is absent from the ExAC and gnomAD population databases and thus is presumed to be rare. Based on the available evidence, the c.599_617del (p.Gln200ArgfsTer109) variant is classified as pathogenic.

Genetics and Molecular Pathology, SA Pathology
Classification: Pathogenic for Axenfeld-Rieger syndrome type 3. Last evaluated: 2016-05-16. Review status: criteria provided, single submitter. Criteria: ACMG Guidelines, 2015. Collection method: clinical testing. Allele origin: unknown. Inheritance: Autosomal dominant inheritance. Affected: yes. Observed: 1 variant allele, 1 heterozygote.
Comment: Frame-shift introducing premature terminating codon (PTC) effecting functional haploinufficiency; clinical significance consistent with FOXC1 PTC variants found upstream and down stream of this position - each regarded as pathogenic in published literature.

NM_001453.3(FOXC1):c.599_617del (p.Gln200fs)

Gene: FOXC1 (forkhead box C1; plus strand). Cytogenetic location: 6p25.3.
Variant type: Deletion.
Coding change: c.599_617del on transcript NM_001453.3 (MANE Select); coding-DNA positions 599 to 617, 19 bases deleted (AGCCCCCGCCCGCGCCGCC).
Protein change: p.Gln200fs; shifts the reading frame from glutamine 200.
Molecular consequence: frameshift variant.
Genome position (GRCh38, 1-based): chr6:1,611,044-1,611,062, AGCCCCCGCCCGCGCCGCC deleted; deleting any 19 consecutive bases within chr6:1,611,038-1,611,062 gives the same sequence; the c. name uses the placement nearest the transcript's 3' end. VCF-style (leftmost placement, unchanged base first): chr6-1611037-GGCCGCCAGCCCCCGCCCGC-G. GRCh37 (hg19) VCF-style: chr6-1611272-GGCCGCCAGCCCCCGCCCGC-G.
Other names: c.599_617del19 (NM_001453.2); c.599_617delAGCCCCCGCCCGCGCCGCC (NM_001453.2); short protein forms Q200fs.
Identifiers: ClinVar variation 375427 (VCV000375427.8), dbSNP rs1057519478, ClinGen allele CA16044266.